The following is an entry in ClinVar:

ClinVar aggregate classification (germline): Uncertain significance (1 of 4 stars; one submission).

Conditions:
MEGF10-related myopathy (CMYO10A). Also called: Congenital myopathy 10A, severe variant. Identifiers: Orphanet 439212, MedGen C3280679, MONDO:0013731, OMIM 614399.

Allele frequency attached by ClinVar (database versions not stated): gnomAD exomes below 0.00001 and 0.00002; ExAC 0.00002.
gnomAD v4.1: 5 of 1,614,110 alleles (0.00031%); highest among the groups gnomAD compares: South Asian, 0.0022%; no homozygotes.

Submission:

Labcorp Genetics (formerly Invitae), Labcorp
Classification: Uncertain significance for MEGF10-related myopathy. Last evaluated: 2023-05-23. Review status: criteria provided, single submitter. Criteria: Invitae Variant Classification Sherloc (09022015). Collection method: clinical testing. Allele origin: germline.
Comment: In summary, the available evidence is currently insufficient to determine the role of this variant in disease. Therefore, it has been classified as a Variant of Uncertain Significance. An algorithm developed to predict the effect of missense changes on protein structure and function (PolyPhen-2) suggests that this variant is likely to be tolerated. ClinVar contains an entry for this variant (Variation ID: 1487770). This variant has not been reported in the literature in individuals affected with MEGF10-related conditions. This variant is present in population databases (rs747619139, gnomAD 0.003%). This sequence change replaces proline, which is neutral and non-polar, with leucine, which is neutral and non-polar, at codon 1060 of the MEGF10 protein (p.Pro1060Leu).

NM_001256545.2(MEGF10):c.3179C>T (p.Pro1060Leu)

Gene: MEGF10 (multiple EGF like domains 10; plus strand). Cytogenetic location: 5q23.2.
Variant type: single nucleotide variant.
Coding change: c.3179C>T on transcript NM_001256545.2 (MANE Select); coding-DNA position 3179, C replaced by T.
Protein change: p.Pro1060Leu; replaces proline 1060 with leucine.
Molecular consequence: missense variant.
Genome position (GRCh38, 1-based): chr5:127,455,554, C>T. VCF-style: chr5-127455554-C-T. GRCh37 (hg19) VCF-style: chr5-126791246-C-T.
Other names: c.3179C>T, p.Pro1060Leu (NM_032446.3); short protein forms P1060L.
Identifiers: ClinVar variation 1487770 (VCV001487770.8), dbSNP rs747619139, ClinGen allele CA3392152.